The following is an entry in ClinVar:

NM_005677.4(COLQ):c.1282G>A (p.Glu428Lys)

Gene: COLQ (collagen like tail subunit of asymmetric acetylcholinesterase; minus strand). Cytogenetic location: 3p25.1.
Variant type: single nucleotide variant.
Coding change: c.1282G>A on transcript NM_005677.4 (MANE Select); coding-DNA position 1282, G replaced by A.
Protein change: p.Glu428Lys; replaces glutamic acid 428 with lysine.
Molecular consequence: missense variant.
Genome position (GRCh38, 1-based): chr3:15,453,845, C>T on the plus strand (G>A on the coding strand, the complement: COLQ is on the minus strand). VCF-style: chr3-15453845-C-T. GRCh37 (hg19) VCF-style: chr3-15495352-C-T.
Other names: c.1252G>A, p.Glu418Lys (NM_080538.2); c.1180G>A, p.Glu394Lys (NM_080539.4); c.1282G>A (NM_005677.3); short protein forms E418K, E394K, E428K.
Identifiers: ClinVar variation 1035432 (VCV001035432.10), dbSNP rs141721093, ClinGen allele CA70600340.

ClinVar aggregate classification (germline): Uncertain significance. Review status: criteria provided, multiple submitters, no conflicts (2 of 4 stars). 2 submissions from 2 submitters: Uncertain significance (2). Last evaluated 2022-03-09.

Conditions:
Congenital myasthenic syndrome 5. Identifiers: Orphanet 590, MedGen C1864233, MONDO:0011281, OMIM 603034.

Allele frequency attached by ClinVar (database versions not stated): gnomAD exomes 0.00001; TOPMed 0.00003; gnomAD 0.00004; ESP Exome Variant Server 0.00008.

Submissions (2):

Labcorp Genetics (formerly Invitae), Labcorp
Classification: Uncertain significance for Congenital myasthenic syndrome 5. Last evaluated: 2022-03-09. Review status: criteria provided, single submitter. Criteria: Invitae Variant Classification Sherloc (09022015). Collection method: clinical testing. Allele origin: germline.
Comment: This sequence change replaces glutamic acid, which is acidic and polar, with lysine, which is basic and polar, at codon 428 of the COLQ protein (p.Glu428Lys). The frequency data for this variant in the population databases is considered unreliable, as metrics indicate poor data quality at this position in the gnomAD database. This variant has not been reported in the literature in individuals affected with COLQ-related conditions. ClinVar contains an entry for this variant (Variation ID: 1035432). Algorithms developed to predict the effect of missense changes on protein structure and function are either unavailable or do not agree on the potential impact of this missense change (SIFT: "Tolerated"; PolyPhen-2: "Not Available"; Align-GVGD: "Class C0"). In summary, the available evidence is currently insufficient to determine the role of this variant in disease. Therefore, it has been classified as a Variant of Uncertain Significance.

Revvity Omics, Revvity
Classification: Uncertain significance for Congenital myasthenic syndrome 5. Last evaluated: 2019-08-08. Review status: criteria provided, single submitter. Criteria: ACMG Guidelines, 2015. Collection method: clinical testing. Allele origin: germline.